The following is an entry in ClinVar:

ClinVar aggregate classification (germline): Uncertain significance (1 of 4 stars; one submission).

Conditions:
Early-infantile DEE. Also called: Early infantile epileptic encephalopathy with suppression bursts; Ohtahara syndrome; Early infantile epileptic encephalopathy. Identifiers: Orphanet 1934, MedGen C0393706, MONDO:0800491.

Allele frequency attached by ClinVar (database versions not stated): gnomAD 0.00001; TOPMed 0.00001.
gnomAD v4.1: 11 of 1,613,758 alleles (0.00068%); highest among the groups gnomAD compares: African/African-American, 0.0027%; no homozygotes.

Submission:

Labcorp Genetics (formerly Invitae), Labcorp
Classification: Uncertain significance for Early-infantile DEE. Last evaluated: 2022-05-19. Review status: criteria provided, single submitter. Criteria: Invitae Variant Classification Sherloc (09022015). Collection method: clinical testing. Allele origin: germline.
Comment: This sequence change replaces arginine, which is basic and polar, with glutamine, which is neutral and polar, at codon 1385 of the SPTAN1 protein (p.Arg1385Gln). This variant is not present in population databases (gnomAD no frequency). This variant has not been reported in the literature in individuals affected with SPTAN1-related conditions. ClinVar contains an entry for this variant (Variation ID: 1001736). Algorithms developed to predict the effect of missense changes on protein structure and function (SIFT, PolyPhen-2, Align-GVGD) all suggest that this variant is likely to be disruptive. In summary, the available evidence is currently insufficient to determine the role of this variant in disease. Therefore, it has been classified as a Variant of Uncertain Significance.

NM_001130438.3(SPTAN1):c.4154G>A (p.Arg1385Gln)

Gene: SPTAN1 (spectrin alpha, non-erythrocytic 1; plus strand). Cytogenetic location: 9q34.11.
Variant type: single nucleotide variant.
Coding change: c.4154G>A on transcript NM_001130438.3 (MANE Select); coding-DNA position 4154, G replaced by A.
Protein change: p.Arg1385Gln; replaces arginine 1385 with glutamine.
Molecular consequence: missense variant.
Genome position (GRCh38, 1-based): chr9:128,607,859, G>A. VCF-style: chr9-128607859-G-A. GRCh37 (hg19) VCF-style: chr9-131370138-G-A.
Other names: c.4094G>A, p.Arg1365Gln (NM_001195532.2, NM_001363765.2, NM_001375314.2); c.4154G>A, p.Arg1385Gln (NM_001363759.2, NM_001375310.1, NM_001375311.2 and 2 more transcripts); c.4190G>A, p.Arg1397Gln (NM_001375312.2, NM_001375318.1); short protein forms R1365Q, R1385Q, R1397Q.
Identifiers: ClinVar variation 1001736 (VCV001001736.9), dbSNP rs961027509, ClinGen allele CA200396124.